The following is an entry in ClinVar:

ClinVar aggregate classification (germline): Uncertain significance (1 of 4 stars; one submission).

Conditions:
Autosomal dominant limb-girdle muscular dystrophy type 1D (DNAJB6) (LGMDD1). Also called: MUSCULAR DYSTROPHY, LIMB-GIRDLE, TYPE 1D; MUSCULAR DYSTROPHY, AUTOSOMAL DOMINANT, WITH RIMMED VACUOLES; Autosomal dominant limb-girdle muscular dystrophy type 1D; Muscular dystrophy, limb-girdle, autosomal dominant 1. Identifiers: Orphanet 34516, MedGen C4721885, MONDO:0021018, OMIM 603511.

gnomAD v4.1: 5 of 1,536,462 alleles (0.00033%); highest among the groups gnomAD compares: East Asian, 0.0024%; no homozygotes.

Submission:

Labcorp Genetics (formerly Invitae), Labcorp
Classification: Uncertain significance for Autosomal dominant limb-girdle muscular dystrophy type 1D (DNAJB6). Last evaluated: 2025-05-11. Review status: criteria provided, single submitter. Criteria: Invitae Variant Classification Sherloc (09022015). Collection method: clinical testing. Allele origin: germline.
Comment: This sequence change affects codon 281 of the DNAJB6 mRNA. It is a 'silent' change, meaning that it does not change the encoded amino acid sequence of the DNAJB6 protein. The frequency data for this variant in the population databases is considered unreliable, as metrics indicate poor data quality at this position in the gnomAD database. This variant has not been reported in the literature in individuals affected with DNAJB6-related conditions. Algorithms developed to predict the effect of sequence changes on RNA splicing suggest that this variant may disrupt the consensus splice site. In summary, the available evidence is currently insufficient to determine the role of this variant in disease. Therefore, it has been classified as a Variant of Uncertain Significance.

NM_058246.4(DNAJB6):c.843C>T (p.Gly281=)

Gene: DNAJB6 (DnaJ heat shock protein family (Hsp40) member B6; plus strand). Cytogenetic location: 7q36.3.
Variant type: single nucleotide variant.
Coding change: c.843C>T on transcript NM_058246.4 (MANE Select); coding-DNA position 843, C replaced by T.
Protein change: p.Gly281=; no amino-acid change (glycine 281 retained).
Molecular consequence: synonymous variant.
Genome position (GRCh38, 1-based): chr7:157,409,946, C>T. VCF-style: chr7-157409946-C-T. GRCh37 (hg19) VCF-style: chr7-157202640-C-T.
Other names: c.498C>T, p.Gly166= (NM_001363676.1).
Identifiers: ClinVar variation 4753054 (VCV004753054.1).
Genomic context (GRCh38, chr7:157,409,946, plus strand): 5'-GCCGCCCCGGCCTGCCTCGCTGCTGAGACACGCGCCTCACTGTCTCTCTGAGGAGGAGGG[C>T]GAGCAGGACCGACCTCGGGCACCCGGGCCCTGGGACCCCCTCGCGTCCGCAGCAGGTGTG-3'
Protein context (NP_490647.1, residues 271-291): HAPHCLSEEE[Gly281=]EQDRPRAPGP